The following is an entry in ClinVar:

ClinVar aggregate classification (germline): Likely benign. Review status: criteria provided, multiple submitters, no conflicts (2 of 4 stars). 3 submissions from 3 submitters: Likely benign (3). Last evaluated 2026-01-20.

Conditions:
Dilated cardiomyopathy 1G (CMD1G). Identifiers: Orphanet 154, MedGen C1858763, MONDO:0011400, OMIM 604145.
Autosomal recessive limb-girdle muscular dystrophy type 2J (LGMDR10). Also called: MUSCULAR DYSTROPHY, LIMB-GIRDLE, AUTOSOMAL RECESSIVE 10; Limb-girdle muscular dystrophy, type 2J. Identifiers: Orphanet 140922, MedGen C1837342, MONDO:0012127, OMIM 608807.

gnomAD v4.1: 4 of 1,613,334 alleles (0.00025%); highest among the groups gnomAD compares: Admixed American, 0.005%; no homozygotes.

Submissions (3):

Labcorp Genetics (formerly Invitae), Labcorp
Classification: Likely benign for Dilated cardiomyopathy 1G; Autosomal recessive limb-girdle muscular dystrophy type 2J. Last evaluated: 2026-01-20. Review status: criteria provided, single submitter. Criteria: Invitae Variant Classification Sherloc (09022015). Collection method: clinical testing. Allele origin: germline.

CeGaT Center for Human Genetics Tuebingen
Classification: Likely benign. Last evaluated: 2025-12-01. Review status: criteria provided, single submitter. Criteria: CeGaT Center For Human Genetics Tuebingen Variant Classification Criteria Version 2. Collection method: clinical testing. Allele origin: germline. Affected: yes. Observed: 1 variant allele.
Comment: TTN: BP4, BP7

GeneDx
Classification: Likely benign. Last evaluated: 2017-05-10. Review status: criteria provided, single submitter. Criteria: GeneDx Variant Classification (06012015). Collection method: clinical testing. Allele origin: germline. Affected: yes.
Comment: This variant is considered likely benign or benign based on one or more of the following criteria: it is a conservative change, it occurs at a poorly conserved position in the protein, it is predicted to be benign by multiple in silico algorithms, and/or has population frequency not consistent with disease.

NM_001267550.2(TTN):c.27123C>A (p.Ile9041=)

Gene: TTN (titin; minus strand). Cytogenetic location: 2q31.2.
Variant type: single nucleotide variant.
Coding change: c.27123C>A on transcript NM_001267550.2 (MANE Select); coding-DNA position 27123, C replaced by A.
Protein change: p.Ile9041=; no amino-acid change (isoleucine 9041 retained).
Molecular consequence: synonymous variant. On other transcripts: intron variant (3).
Genome position (GRCh38, 1-based): chr2:178,712,902, G>T on the plus strand (C>A on the coding strand, the complement: TTN is on the minus strand). VCF-style: chr2-178712902-G-T. GRCh37 (hg19) VCF-style: chr2-179577629-G-T.
Other names: c.26172C>A, p.Ile8724= (NM_001256850.1); c.23391C>A, p.Ile7797= (NM_133378.4); c.13282+25180C>A (NM_003319.4); c.13858+25180C>A (NM_133437.4); c.13657+25180C>A (NM_133432.3).
Identifiers: ClinVar variation 509591 (VCV000509591.11), dbSNP rs890920556, ClinGen allele CA60966006.